The following is an entry in ClinVar:

NM_006445.4(PRPF8):c.4618C>T (p.Pro1540Ser)

Gene: PRPF8 (pre-mRNA processing factor 8; minus strand). Cytogenetic location: 17p13.3.
Variant type: single nucleotide variant.
Coding change: c.4618C>T on transcript NM_006445.4 (MANE Select); coding-DNA position 4618, C replaced by T.
Protein change: p.Pro1540Ser; replaces proline 1540 with serine.
Molecular consequence: missense variant.
Genome position (GRCh38, 1-based): chr17:1,660,718, G>A on the plus strand (C>T on the coding strand, the complement: PRPF8 is on the minus strand). VCF-style: chr17-1660718-G-A. GRCh37 (hg19) VCF-style: chr17-1564012-G-A.
Other names: short protein forms P1540S.
Identifiers: ClinVar variation 3369161 (VCV003369161.1).

ClinVar aggregate classification (germline): Uncertain significance (1 of 4 stars; one submission).

Submission:

GeneDx
Classification: Uncertain significance. Last evaluated: 2024-02-12. Review status: criteria provided, single submitter. Criteria: GeneDx Variant Classification Process June 2021. Collection method: clinical testing. Allele origin: germline. Affected: yes.
Comment: Not observed at significant frequency in large population cohorts (gnomAD); In silico analysis supports that this missense variant has a deleterious effect on protein structure/function; Has not been previously published as pathogenic or benign to our knowledge